The following is an entry in ClinVar:

NM_031935.3(HMCN1):c.3847C>T (p.Arg1283Cys)

Gene: HMCN1 (hemicentin 1; plus strand). Cytogenetic location: 1q31.1.
Variant type: single nucleotide variant.
Coding change: c.3847C>T on transcript NM_031935.3 (MANE Select); coding-DNA position 3847, C replaced by T.
Protein change: p.Arg1283Cys; replaces arginine 1283 with cysteine.
Molecular consequence: missense variant.
Genome position (GRCh38, 1-based): chr1:185,997,497, C>T. VCF-style: chr1-185997497-C-T. GRCh37 (hg19) VCF-style: chr1-185966629-C-T.
Other names: short protein forms R1283C.
Identifiers: ClinVar variation 1944374 (VCV001944374.5), dbSNP rs781327521, ClinGen allele CA1291827.

ClinVar aggregate classification (germline): Uncertain significance (1 of 4 stars; one submission).

Allele frequency attached by ClinVar (database versions not stated): ExAC 0.00003; TOPMed 0.00003; gnomAD exomes 0.00004.
gnomAD v4.1: 62 of 1,611,132 alleles (0.0038%); highest among the groups gnomAD compares: South Asian, 0.0077%; no homozygotes.

Submission:

Labcorp Genetics (formerly Invitae), Labcorp
Classification: Uncertain significance. Last evaluated: 2025-08-17. Review status: criteria provided, single submitter. Criteria: Invitae Variant Classification Sherloc (09022015). Collection method: clinical testing. Allele origin: germline.
Comment: This sequence change replaces arginine, which is basic and polar, with cysteine, which is neutral and slightly polar, at codon 1283 of the HMCN1 protein (p.Arg1283Cys). This variant is present in population databases (rs781327521, gnomAD 0.006%). This variant has not been reported in the literature in individuals affected with HMCN1-related conditions. ClinVar contains an entry for this variant (Variation ID: 1944374). An algorithm developed to predict the effect of missense changes on protein structure and function (PolyPhen-2) suggests that this variant is likely to be disruptive. In summary, the available evidence is currently insufficient to determine the role of this variant in disease. Therefore, it has been classified as a Variant of Uncertain Significance.